The following is an entry in ClinVar:

ClinVar aggregate classification (germline): Pathogenic/Likely pathogenic. Review status: criteria provided, multiple submitters, no conflicts (2 of 4 stars). 6 submissions from 6 submitters: Pathogenic (2); Likely pathogenic (3). 1 of the submissions does not count toward it. Last evaluated 2025-11-05.

Conditions:
COL4A5-related disorder. Also called: COL4A5-related condition.
COL4A5-related disorders.
X-linked Alport syndrome (ATS1). Also called: COL4A5-Related Nephropathy; NEPHROPATHY AND DEAFNESS, X-LINKED. Identifiers: Orphanet 63, Orphanet 88917, MedGen C4746986, MONDO:0010520, OMIM 301050.

Allele frequency attached by ClinVar (database versions not stated): gnomAD exomes below 0.00001.
gnomAD v4.1: 1 of 1,211,238 alleles (0.000083%); highest among the groups gnomAD compares: Non-Finnish European, 0.00011%; no homozygotes.

Submissions (6):

Labcorp Genetics (formerly Invitae), Labcorp
Classification: Pathogenic. Last evaluated: 2025-11-05. Review status: criteria provided, single submitter. Criteria: Invitae Variant Classification Sherloc (09022015). Collection method: clinical testing. Allele origin: germline.
Comment: This sequence change replaces glycine, which is neutral and non-polar, with valine, which is neutral and non-polar, at codon 1116 of the COL4A5 protein (p.Gly1116Val). This variant is not present in population databases (gnomAD no frequency). This missense change has been observed in individuals with Alport syndrome (PMID: 20378821, 37225412). ClinVar contains an entry for this variant (Variation ID: 24621). Invitae Evidence Modeling of protein sequence and biophysical properties (such as structural, functional, and spatial information, amino acid conservation, physicochemical variation, residue mobility, and thermodynamic stability) indicates that this missense variant is expected to disrupt COL4A5 protein function with a positive predictive value of 95%. This variant disrupts the triple helix domain of COL4A5. Glycine residues within the Gly-Xaa-Yaa repeats of the triple helix domain are required for the structure and stability of fibrillar collagens (PMID: 7695699, 8218237, 19344236). In COL4A5, missense variants at these glycine residues are significantly enriched in individuals with disease (PMID: 23720012, 27627812) compared to the general population (ExAC). For these reasons, this variant has been classified as Pathogenic.

Fulgent Genetics
Classification: Likely pathogenic for X-linked Alport syndrome. Last evaluated: 2022-04-29. Review status: criteria provided, single submitter. Criteria: ACMG Guidelines, 2015. Collection method: clinical testing. Allele origin: unknown.

Blueprint Genetics
Classification: Pathogenic for COL4A5-related disorders. Last evaluated: 2020-03-27. Review status: criteria provided, single submitter. Criteria: ACMG Guidelines, 2015. Collection method: clinical testing. Allele origin: germline. Affected: yes. Observed: 1 variant allele.

Molecular Diagnostics Laboratory, M Health Fairview: University of Minnesota
Classification: Likely pathogenic for X-linked Alport syndrome. Last evaluated: 2017-12-13. Review status: criteria provided, single submitter. Criteria: ACMG Guidelines, 2015. Collection method: clinical testing. Allele origin: germline. Affected: yes.

Genomic Medicine Lab, University of California San Francisco
Classification: Likely pathogenic for X-linked Alport syndrome. Review status: criteria provided, single submitter. Criteria: ACMG Guidelines, 2015. Collection method: clinical testing. Allele origin: paternal. Observed: 2 variant alleles. Study: CSER.

PreventionGenetics, part of Exact Sciences
Classification: Likely pathogenic for COL4A5-related condition. Last evaluated: 2023-12-13. Review status: no assertion criteria provided. Collection method: clinical testing. Allele origin: germline. Not counted in ClinVar's aggregate classification.
Comment: The COL4A5 c.3347G>T variant is predicted to result in the amino acid substitution p.Gly1116Val. This variant was reported in at least one individual presenting with microhematuria (Family 53, Table S1, Bekheirnia et al 2010. PubMed ID: 20378821). This variant has not been reported in a large population database, indicating this variant is rare. The p.Gly1116 residue resides in the triple-helical region (residues 42 – 1456) of the COL4A5 protein. The majority of pathogenic variants in COL4A5 substitute a glycine residue to a bulkier amino acid in the triple-helical domain (Hudson et al. 1993. PubMed ID: 8253711). This variant is interpreted as likely pathogenic.

Literature cited by the submitters: PubMed 20378821 (cited by Labcorp Genetics (formerly Invitae), Labcorp and Molecular Diagnostics Laboratory, M Health Fairview: University of Minnesota); PubMed 37225412 (cited by Labcorp Genetics (formerly Invitae), Labcorp); PubMed 7695699 (cited by Labcorp Genetics (formerly Invitae), Labcorp); PubMed 8218237 (cited by Labcorp Genetics (formerly Invitae), Labcorp); PubMed 19344236 (cited by Labcorp Genetics (formerly Invitae), Labcorp); PubMed 23720012 (cited by Labcorp Genetics (formerly Invitae), Labcorp); PubMed 27627812 (cited by Labcorp Genetics (formerly Invitae), Labcorp); PubMed 12105244 (cited by Molecular Diagnostics Laboratory, M Health Fairview: University of Minnesota); PubMed 8940267 (cited by Molecular Diagnostics Laboratory, M Health Fairview: University of Minnesota).

NM_033380.3(COL4A5):c.3347G>T (p.Gly1116Val)

Gene: COL4A5 (collagen type IV alpha 5 chain; plus strand). Cytogenetic location: Xq22.3.
Variant type: single nucleotide variant.
Coding change: c.3347G>T on transcript NM_033380.3 (MANE Select); coding-DNA position 3347, G replaced by T.
Protein change: p.Gly1116Val; replaces glycine 1116 with valine.
Molecular consequence: missense variant.
Genome position (GRCh38, 1-based): chrX:108,655,431, G>T. VCF-style: chrX-108655431-G-T. GRCh37 (hg19) VCF-style: chrX-107898661-G-T.
Other names: c.3347G>T, p.Gly1116Val (NM_000495.5); c.3347G>T (NM_000495.4); short protein forms G1116V.
Identifiers: ClinVar variation 24621 (VCV000024621.9), dbSNP rs281874713, ClinGen allele CA258859.